The following is an entry in ClinVar:

ClinVar aggregate classification (germline): Uncertain significance (1 of 4 stars; one submission).

Conditions:
Multiple endocrine neoplasia, type 2 (MEN2). Identifiers: Orphanet 653, MedGen C4048306, MONDO:0019003. Disease mechanism: gain of function.

Submission:

Labcorp Genetics (formerly Invitae), Labcorp
Classification: Uncertain significance for Multiple endocrine neoplasia, type 2. Last evaluated: 2022-03-20. Review status: criteria provided, single submitter. Criteria: Invitae Variant Classification Sherloc (09022015). Collection method: clinical testing. Allele origin: germline.
Comment: Algorithms developed to predict the effect of missense changes on protein structure and function are either unavailable or do not agree on the potential impact of this missense change (SIFT: "Tolerated"; PolyPhen-2: "Possibly Damaging"; Align-GVGD: "Class C0"). In summary, the available evidence is currently insufficient to determine the role of this variant in disease. Therefore, it has been classified as a Variant of Uncertain Significance. Algorithms developed to predict the effect of sequence changes on RNA splicing suggest that this variant may disrupt the consensus splice site. This variant has not been reported in the literature in individuals affected with RET-related conditions. This variant is not present in population databases (gnomAD no frequency). This sequence change replaces proline, which is neutral and non-polar, with arginine, which is basic and polar, at codon 1049 of the RET protein (p.Pro1049Arg).

NM_020975.6(RET):c.3146C>G (p.Pro1049Arg)

Gene: RET (ret proto-oncogene; plus strand). Cytogenetic location: 10q11.21.
Variant type: single nucleotide variant.
Coding change: c.3146C>G on transcript NM_020975.6 (MANE Select); coding-DNA position 3146, C replaced by G.
Protein change: p.Pro1049Arg; replaces proline 1049 with arginine.
Molecular consequence: missense variant.
Genome position (GRCh38, 1-based): chr10:43,126,681, C>G. VCF-style: chr10-43126681-C-G. GRCh37 (hg19) VCF-style: chr10-43622129-C-G.
Other names: c.3146C>G, p.Pro1049Arg (NM_000323.2, NM_001406743.1, NM_001406744.1 and 2 more transcripts); c.2384C>G, p.Pro795Arg (NM_001355216.2); c.3017C>G, p.Pro1006Arg (NM_001406761.1, NM_001406762.1, NM_001406764.1); c.3011C>G, p.Pro1004Arg (NM_001406763.1, NM_001406765.1); c.2858C>G, p.Pro953Arg (NM_001406766.1, NM_001406767.1, NM_001406770.1); c.2882C>G, p.Pro961Arg (NM_001406768.1); c.2750C>G, p.Pro917Arg (NM_001406769.1, NM_001406772.1); c.2708C>G, p.Pro903Arg (NM_001406771.1, NM_001406773.1); and 10 more; short protein forms P1006R, P654R, P705R, P719R, P917R, P614R, P707R, P795R.
Identifiers: ClinVar variation 1959459 (VCV001959459.5), dbSNP rs1490712863, ClinGen allele CA376558486.